The following is an entry in ClinVar:

NM_022367.4(SEMA4A):c.964G>A (p.Ala322Thr)

Gene: SEMA4A (semaphorin 4A; plus strand). Cytogenetic location: 1q22.
Variant type: single nucleotide variant.
Coding change: c.964G>A on transcript NM_022367.4 (MANE Select); coding-DNA position 964, G replaced by A.
Protein change: p.Ala322Thr; replaces alanine 322 with threonine.
Molecular consequence: missense variant.
Genome position (GRCh38, 1-based): chr1:156,161,499, G>A. VCF-style: chr1-156161499-G-A. GRCh37 (hg19) VCF-style: chr1-156131290-G-A.
Other names: c.964G>A, p.Ala322Thr (NM_001193300.2, NM_001193301.2, NM_001370567.1); c.568G>A, p.Ala190Thr (NM_001193302.2); c.667G>A, p.Ala223Thr (NM_001370568.1); c.457G>A, p.Ala153Thr (NM_001370569.1, NM_001370571.1); short protein forms A153T, A322T, A223T, A190T.
Identifiers: ClinVar variation 2014202 (VCV002014202.4), dbSNP rs1336110547, ClinGen allele CA342839681.

ClinVar aggregate classification (germline): Uncertain significance (1 of 4 stars; one submission).

gnomAD v4.1: 1 of 1,613,922 alleles (0.000062%); highest among the groups gnomAD compares: Non-Finnish European, 0.000085%; no homozygotes.

Submission:

Labcorp Genetics (formerly Invitae), Labcorp
Classification: Uncertain significance. Last evaluated: 2022-11-01. Review status: criteria provided, single submitter. Criteria: Invitae Variant Classification Sherloc (09022015). Collection method: clinical testing. Allele origin: germline.
Comment: This sequence change replaces alanine, which is neutral and non-polar, with threonine, which is neutral and polar, at codon 322 of the SEMA4A protein (p.Ala322Thr). This variant is present in population databases (no rsID available, gnomAD 0.0009%). This variant has not been reported in the literature in individuals affected with SEMA4A-related conditions. Advanced modeling of protein sequence and biophysical properties (such as structural, functional, and spatial information, amino acid conservation, physicochemical variation, residue mobility, and thermodynamic stability) performed at Invitae indicates that this missense variant is not expected to disrupt SEMA4A protein function. In summary, the available evidence is currently insufficient to determine the role of this variant in disease. Therefore, it has been classified as a Variant of Uncertain Significance.